The following is an entry in ClinVar:

NM_002769.5(PRSS1):c.252T>G (p.Asn84Lys)

Genes: TRB (T cell receptor beta locus; plus strand), PRSS1 (serine protease 1; plus strand). Cytogenetic location: 7q34.
Variant type: single nucleotide variant.
Coding change: c.252T>G on transcript NM_002769.5 (MANE Select); coding-DNA position 252, T replaced by G.
Protein change: p.Asn84Lys; replaces asparagine 84 with lysine.
Molecular consequence: missense variant. On other transcripts: non-coding transcript variant (2).
Genome position (GRCh38, 1-based): chr7:142,751,825, T>G. VCF-style: chr7-142751825-T-G. GRCh37 (hg19) VCF-style: chr7-142459676-T-G.
Other names: short protein forms N84K.
Identifiers: ClinVar variation 3426303 (VCV003426303.1).

ClinVar aggregate classification (germline): Uncertain significance (1 of 4 stars; one submission).

Conditions:
Hereditary pancreatitis (PCTT). Also called: Hereditary chronic pancreatitis; PRSS1-Related Hereditary Pancreatitis. Identifiers: Orphanet 676, MedGen C0238339, MONDO:0008185, OMIM 167800.

Submission:

Ambry Genetics
Classification: Uncertain significance for Hereditary pancreatitis. Last evaluated: 2024-07-03. Review status: criteria provided, single submitter. Criteria: Ambry Variant Classification Scheme 2023. Collection method: clinical testing. Allele origin: germline.
Comment: The p.N84K variant (also known as c.252T>G), located in coding exon 3 of the PRSS1 gene, results from a T to G substitution at nucleotide position 252. The asparagine at codon 84 is replaced by lysine, an amino acid with similar properties. This amino acid position is conserved. In addition, this alteration is predicted to be tolerated by in silico analysis. Based on the available evidence, the clinical significance of this variant remains unclear.